The following is an entry in ClinVar:

ClinVar aggregate classification (germline): Uncertain significance (1 of 4 stars; one submission).

gnomAD v4.1: 41 of 1,612,372 alleles (0.0025%); highest among the groups gnomAD compares: Admixed American, 0.0083%; no homozygotes.

Submission:

Labcorp Genetics (formerly Invitae), Labcorp
Classification: Uncertain significance. Last evaluated: 2024-02-12. Review status: criteria provided, single submitter. Criteria: Invitae Variant Classification Sherloc (09022015). Collection method: clinical testing. Allele origin: germline.
Comment: This sequence change replaces asparagine, which is neutral and polar, with serine, which is neutral and polar, at codon 998 of the SLIT2 protein (p.Asn998Ser). This variant is present in population databases (rs757300419, gnomAD 0.01%). This missense change has been observed in individual(s) with renal agenesis (PMID: 26489027). An algorithm developed to predict the effect of missense changes on protein structure and function (PolyPhen-2) suggests that this variant is likely to be disruptive. In summary, the available evidence is currently insufficient to determine the role of this variant in disease. Therefore, it has been classified as a Variant of Uncertain Significance.

Literature cited by the submitters: PubMed 26489027.

NM_004787.4(SLIT2):c.2993A>G (p.Asn998Ser)

Gene: SLIT2 (slit guidance ligand 2; plus strand). Cytogenetic location: 4p15.31.
Variant type: single nucleotide variant.
Coding change: c.2993A>G on transcript NM_004787.4 (MANE Select); coding-DNA position 2993, A replaced by G.
Protein change: p.Asn998Ser; replaces asparagine 998 with serine.
Molecular consequence: missense variant.
Genome position (GRCh38, 1-based): chr4:20,568,909, A>G. VCF-style: chr4-20568909-A-G. GRCh37 (hg19) VCF-style: chr4-20570532-A-G.
Other names: c.2981A>G, p.Asn994Ser (NM_001289135.3); c.2969A>G, p.Asn990Ser (NM_001289136.3); short protein forms N998S, N990S, N994S.
Identifiers: ClinVar variation 3720574 (VCV003720574.2).
Genomic context (GRCh38, chr4:20,568,909, plus strand): 5'-CTCCTCTGGCATTCAGGTGTATTTGTGCTGATGGATTTGAAGGAGAAAATTGTGAAGTCA[A>G]CGTTGATGATTGTGAAGATAATGACTGTGAAAATAATTCTACATGTGTCGATGGCATTAA-3'
Protein context (NP_004778.1, residues 988-1008): DGFEGENCEV[Asn998Ser]VDDCEDNDCE